The following is an entry in ClinVar:

NM_005689.4(ABCB6):c.1369_1370del (p.Leu457fs)

Gene: ABCB6 (ATP binding cassette subfamily B member 6 (LAN blood group); minus strand). Cytogenetic location: 2q35.
Variant type: Microsatellite.
Coding change: c.1369_1370del on transcript NM_005689.4 (MANE Select); coding-DNA positions 1369 to 1370, 2 bases deleted (CT; older notation c.1369_1370delCT).
Protein change: p.Leu457fs; shifts the reading frame from leucine 457.
Molecular consequence: frameshift variant.
Genome position (GRCh38, 1-based): chr2:219,214,405-219,214,406, AG deleted on the plus strand (CT on the coding strand, the reverse complement: ABCB6 is on the minus strand); deleting any 2 consecutive bases within chr2:219,214,405-219,214,410 gives the same sequence; the c. name uses the placement nearest the transcript's 3' end. VCF-style (leftmost placement, unchanged base first): chr2-219214404-CAG-C. GRCh37 (hg19) VCF-style: chr2-220079126-CAG-C.
Other names: c.1231_1232del, p.Leu411fs (NM_001349828.2); short protein forms L411fs, L457fs.
Identifiers: ClinVar variation 4985516 (VCV004985516.1).

ClinVar aggregate classification (germline): Likely pathogenic (1 of 4 stars; one submission).

Conditions:
ABCB6-related disorder. Also called: ABCB6-related condition.

Submission:

PreventionGenetics, part of Exact Sciences
Classification: Likely pathogenic for ABCB6-related condition. Last evaluated: 2025-08-31. Review status: criteria provided, single submitter. Criteria: ACMG Guidelines, 2015. Collection method: clinical testing. Allele origin: germline.
Comment: The ABCB6 c.1369_1370delCT variant is predicted to result in a frameshift and premature protein termination (p.Leu458Lysfs*64). To our knowledge, this variant has not been reported in the literature. This variant is reported in 0.012% of alleles in individuals of African descent in gnomAD. Frameshift variants in ABCB6 are expected to be pathogenic. This variant is interpreted as likely pathogenic.